The following is an entry in ClinVar:

NM_002472.3(MYH8):c.3270C>T (p.Ile1090=)

Genes: MYH8 (myosin heavy chain 8; minus strand), MYHAS (myosin heavy chain gene cluster antisense RNA; plus strand), LOC126862494 (BRD4-independent group 4 enhancer GRCh37_chr17:10303826-10305025; plus strand). Cytogenetic location: 17p13.1.
Variant type: single nucleotide variant.
Coding change: c.3270C>T on transcript NM_002472.3 (MANE Select); coding-DNA position 3270, C replaced by T.
Protein change: p.Ile1090=; no amino-acid change (isoleucine 1090 retained).
Molecular consequence: synonymous variant.
Genome position (GRCh38, 1-based): chr17:10,400,944, G>A on the plus strand (C>T on the coding strand, the complement: MYH8 is on the minus strand). VCF-style: chr17-10400944-G-A. GRCh37 (hg19) VCF-style: chr17-10304261-G-A.
Identifiers: ClinVar variation 129674 (VCV000129674.17), dbSNP rs3744552, ClinGen allele CA153822.

ClinVar aggregate classification (germline): Benign. Review status: criteria provided, multiple submitters, no conflicts (2 of 4 stars). 9 submissions from 9 submitters: Benign (7). 2 of the submissions do not count toward it. Last evaluated 2024-11-28.

Conditions:
Hecht syndrome (DA7). Also called: Dutch-Kentucky syndrome; MOUTH, INABILITY TO OPEN COMPLETELY, AND SHORT FINGER-FLEXOR TENDONS. Identifiers: Orphanet 3377, MedGen C0265226, MONDO:0008016, OMIM 158300. Disease mechanism: gain of function.

Allele frequency attached by ClinVar (database versions not stated): 1000 Genomes Project 0.47364; 1000 Genomes Project 30x 0.47986; gnomAD exomes 0.49411 and 0.55569; ExAC 0.50249; gnomAD 0.57854 and 0.59381; TOPMed 0.58696; ESP Exome Variant Server 0.61964.
gnomAD v4.1: 898,878 of 1,612,782 alleles (56%); highest among the groups gnomAD compares: African/African-American, 70%; 259,373 homozygotes.

Submissions (9):

Blueprint Genetics
Classification: Benign. Last evaluated: 2024-11-28. Review status: criteria provided, single submitter. Criteria: ACMG Guidelines, 2015. Collection method: clinical testing. Allele origin: germline.

Genome-Nilou Lab
Classification: Benign for Hecht syndrome. Last evaluated: 2021-09-05. Review status: criteria provided, single submitter. Criteria: ACMG Guidelines, 2015. Collection method: clinical testing. Allele origin: germline. Affected: no.

GeneDx
Classification: Benign. Last evaluated: 2018-11-12. Review status: criteria provided, single submitter. Criteria: GeneDx Variant Classification Process June 2021. Collection method: clinical testing. Allele origin: germline. Affected: yes.

Illumina Laboratory Services, Illumina
Classification: Benign for Hecht syndrome. Last evaluated: 2018-01-13. Review status: criteria provided, single submitter. Criteria: ICSL Variant Classification Criteria 13 December 2019. Collection method: clinical testing. Allele origin: germline.
Comment: This variant was observed in the ICSL laboratory as part of a predisposition screen in an ostensibly healthy population. It had not been previously curated by ICSL or reported in the Human Gene Mutation Database (HGMD: prior to June 1st, 2018), and was therefore a candidate for classification through an automated scoring system. Utilizing variant allele frequency, disease prevalence and penetrance estimates, and inheritance mode, an automated score was calculated to assess if this variant is too frequent to cause the disease. Based on the score and internal cut-off values, a variant classified as benign is not then subjected to further curation. The score for this variant resulted in a classification of benign for this disease.

Genetic Services Laboratory, University of Chicago
Classification: Benign for AllHighlyPenetrant. Last evaluated: 2013-08-15. Review status: criteria provided, single submitter. Criteria: ACMG Guidelines, 2007. Collection method: clinical testing. Allele origin: germline. Inheritance: Autosomal dominant inheritance.

Breakthrough Genomics
Classification: Benign. Review status: criteria provided, single submitter. Criteria: ACMG Guidelines, 2015. Collection method: not provided. Allele origin: germline. Inheritance: Autosomal dominant inheritance. Affected: yes.

PreventionGenetics, part of Exact Sciences
Classification: Benign. Review status: criteria provided, single submitter. Criteria: ACMG Guidelines, 2015. Collection method: clinical testing. Allele origin: germline.

Clinical Genetics, Academic Medical Center
Classification: Benign. Review status: no assertion criteria provided. Collection method: clinical testing. Allele origin: germline. Affected: yes. Study: VKGL Data-share Consensus. Not counted in ClinVar's aggregate classification.

Diagnostic Laboratory, Department of Genetics, University Medical Center Groningen
Classification: Benign. Review status: no assertion criteria provided. Collection method: clinical testing. Allele origin: germline. Affected: yes. Study: VKGL Data-share Consensus. Not counted in ClinVar's aggregate classification.